The following is an entry in ClinVar:

NM_004260.4(RECQL4):c.1253G>T (p.Arg418Leu)

Gene: RECQL4 (RecQ like helicase 4; minus strand). Cytogenetic location: 8q24.3.
Variant type: single nucleotide variant.
Coding change: c.1253G>T on transcript NM_004260.4 (MANE Select); coding-DNA position 1253, G replaced by T.
Protein change: p.Arg418Leu; replaces arginine 418 with leucine.
Molecular consequence: missense variant. On other transcripts: synonymous variant (5), non-coding transcript variant (3), intron variant (1).
Genome position (GRCh38, 1-based): chr8:144,515,769, C>A on the plus strand (G>T on the coding strand, the complement: RECQL4 is on the minus strand). VCF-style: chr8-144515769-C-A. GRCh37 (hg19) VCF-style: chr8-145741153-C-A.
Other names: c.1157G>T, p.Arg386Leu (NM_001413017.1, NM_001413020.1); c.1253G>T, p.Arg418Leu (NM_001413018.1, NM_001413019.1, NM_001413033.1 and 2 more transcripts); c.182G>T, p.Arg61Leu (NM_001413021.1, NM_001413022.1, NM_001413023.1 and 8 more transcripts); c.1124G>T, p.Arg375Leu (NM_001413025.1); c.120G>T, p.Pro40= (NM_001413027.1, NM_001413030.1, NM_001413031.1 and 2 more transcripts); c.902G>T, p.Arg301Leu (NM_001413029.1); c.-210+219G>T (NM_001413043.1); short protein forms R301L, R386L, R418L, R61L, R375L.
Identifiers: ClinVar variation 2769752 (VCV002769752.3), dbSNP rs548957135, ClinGen allele CA372687219.
Genomic context (GRCh38, chr8:144,515,769, plus strand): 5'-ACTGCGCCCTCTCCACAGTGTTGGCCGGACCCACCCTCCAGGGCAGATGTCTCACCTGGC[C>A]GGGGACACTGGGCTGCCCAGTGATCGAACTGCTCGTTCAGGAAACAAGACTCCTTGGTTG-3'
Protein context (NP_004251.4, residues 408-428): QFDHWAAQCP[Arg418Leu]PASEEDTDAV

ClinVar aggregate classification (germline): Uncertain significance (1 of 4 stars; one submission).

Conditions:
Baller-Gerold syndrome (BGS). Also called: CRANIOSYNOSTOSIS WITH RADIAL DEFECTS. Identifiers: Orphanet 1225, MedGen C0265308, MONDO:0009039, OMIM 218600.

Submission:

Labcorp Genetics (formerly Invitae), Labcorp
Classification: Uncertain significance for Baller-Gerold syndrome. Last evaluated: 2023-10-18. Review status: criteria provided, single submitter. Criteria: Invitae Variant Classification Sherloc (09022015). Collection method: clinical testing. Allele origin: germline.
Comment: This sequence change replaces arginine, which is basic and polar, with leucine, which is neutral and non-polar, at codon 418 of the RECQL4 protein (p.Arg418Leu). This variant is not present in population databases (gnomAD no frequency). This variant has not been reported in the literature in individuals affected with RECQL4-related conditions. Advanced modeling of protein sequence and biophysical properties (such as structural, functional, and spatial information, amino acid conservation, physicochemical variation, residue mobility, and thermodynamic stability) performed at Invitae indicates that this missense variant is not expected to disrupt RECQL4 protein function. In summary, the available evidence is currently insufficient to determine the role of this variant in disease. Therefore, it has been classified as a Variant of Uncertain Significance.